The following is an entry in ClinVar:

ClinVar aggregate classification (germline): Pathogenic (1 of 4 stars; one submission).

Conditions:
Trichorhinophalangeal dysplasia type I (TRPS1). Also called: TRICHORHINOPHALANGEAL SYNDROME, TYPE I; TRPS I. Identifiers: Orphanet 77258, MedGen C0432233, MONDO:0008596, OMIM 190350.
Trichorhinophalangeal syndrome, type III (TRPS3). Also called: SUGIO-KAJII SYNDROME. Identifiers: Orphanet 77258, MedGen C1860823, OMIM 190351, MONDO:0008597.

Submission:

Labcorp Genetics (formerly Invitae), Labcorp
Classification: Pathogenic for Trichorhinophalangeal syndrome, type III; Trichorhinophalangeal dysplasia type I. Last evaluated: 2021-02-25. Review status: criteria provided, single submitter. Criteria: Invitae Variant Classification Sherloc (09022015). Collection method: clinical testing. Allele origin: germline.
Comment: For these reasons, this variant has been classified as Pathogenic. This variant disrupts the C-terminus of the TRPS1 protein. Other variant(s) that disrupt this region (p.Thr1215Glnfs*27) have been determined to be pathogenic (PMID: 26113321). This suggests that variants that disrupt this region of the protein are likely to be causative of disease. This variant has not been reported in the literature in individuals with TRPS1-related conditions. ClinVar contains an entry for this variant (Variation ID: 938680). This variant is not present in population databases (ExAC no frequency). This sequence change results in a premature translational stop signal in the TRPS1 gene (p.Tyr1154*). While this is not anticipated to result in nonsense mediated decay, it is expected to disrupt the last 141 amino acids of the TRPS1 protein.

Literature cited by the submitters: PubMed 26113321.

NM_014112.5(TRPS1):c.3461dup (p.Tyr1154Ter)

Gene: TRPS1 (transcriptional repressor GATA binding 1; minus strand). Cytogenetic location: 8q23.3.
Variant type: Duplication.
Coding change: c.3461dup on transcript NM_014112.5 (MANE Select); coding-DNA position 3461, one base duplicated (A; older notation c.3461dupA).
Protein change: p.Tyr1154Ter; replaces tyrosine 1154 with a stop codon.
Molecular consequence: nonsense.
Genome position (GRCh38, 1-based): chr8:115,414,447, T duplicated on the plus strand (A on the coding strand, the reverse complement: TRPS1 is on the minus strand). VCF-style (leftmost placement, unchanged base first): chr8-115414446-A-AT. GRCh37 (hg19) VCF-style: chr8-116426674-A-AT.
Other names: c.3440dup, p.Tyr1147Ter (NM_001282903.3); c.3422dup, p.Tyr1141Ter (NM_001330599.2); c.3434dup, p.Tyr1145Ter (NM_001282902.3); short protein forms Y1147*, Y1154*, Y1141*, Y1145*.
Identifiers: ClinVar variation 938680 (VCV000938680.9), dbSNP rs1812863711, ClinGen allele CA1139660736.